The following is an entry in ClinVar:

NM_017617.5(NOTCH1):c.6647C>G (p.Pro2216Arg)

Gene: NOTCH1 (notch receptor 1; minus strand). Cytogenetic location: 9q34.3.
Variant type: single nucleotide variant.
Coding change: c.6647C>G on transcript NM_017617.5 (MANE Select); coding-DNA position 6647, C replaced by G.
Protein change: p.Pro2216Arg; replaces proline 2216 with arginine.
Molecular consequence: missense variant.
Genome position (GRCh38, 1-based): chr9:136,497,092, G>C on the plus strand (C>G on the coding strand, the complement: NOTCH1 is on the minus strand). VCF-style: chr9-136497092-G-C. GRCh37 (hg19) VCF-style: chr9-139391544-G-C.
Other names: short protein forms P2216R.
Identifiers: ClinVar variation 2847676 (VCV002847676.3), dbSNP rs771450276, ClinGen allele CA375630949.

ClinVar aggregate classification (germline): Uncertain significance (1 of 4 stars; one submission).

Conditions:
Adams-Oliver syndrome 5 (AOS5). Identifiers: Orphanet 974, MedGen C4014970, MONDO:0014459, OMIM 616028.

Submission:

Labcorp Genetics (formerly Invitae), Labcorp
Classification: Uncertain significance for Adams-Oliver syndrome 5. Last evaluated: 2023-06-17. Review status: criteria provided, single submitter. Criteria: Invitae Variant Classification Sherloc (09022015). Collection method: clinical testing. Allele origin: germline.
Comment: This sequence change replaces proline, which is neutral and non-polar, with arginine, which is basic and polar, at codon 2216 of the NOTCH1 protein (p.Pro2216Arg). This variant is not present in population databases (gnomAD no frequency). This variant has not been reported in the literature in individuals affected with NOTCH1-related conditions. Advanced modeling of protein sequence and biophysical properties (such as structural, functional, and spatial information, amino acid conservation, physicochemical variation, residue mobility, and thermodynamic stability) performed at Invitae indicates that this missense variant is not expected to disrupt NOTCH1 protein function. In summary, the available evidence is currently insufficient to determine the role of this variant in disease. Therefore, it has been classified as a Variant of Uncertain Significance.